The following is an entry in ClinVar:

NM_001098537.3(PNPLA7):c.3977C>G (p.Pro1326Arg)

Gene: PNPLA7 (patatin like phospholipase domain containing 7; minus strand). Cytogenetic location: 9q34.3.
Variant type: single nucleotide variant.
Coding change: c.3977C>G on transcript NM_001098537.3 (MANE Select); coding-DNA position 3977, C replaced by G.
Protein change: p.Pro1326Arg; replaces proline 1326 with arginine.
Molecular consequence: missense variant.
Genome position (GRCh38, 1-based): chr9:137,460,445, G>C on the plus strand (C>G on the coding strand, the complement: PNPLA7 is on the minus strand). VCF-style: chr9-137460445-G-C. GRCh37 (hg19) VCF-style: chr9-140354897-G-C.
Other names: c.3902C>G, p.Pro1301Arg (NM_152286.5); short protein forms P1301R, P1326R.
Identifiers: ClinVar variation 3350285 (VCV003350285.1).
Genomic context (GRCh38, chr9:137,460,445, plus strand): 5'-AGAGGCCTCTACCCGTCCTGGTCAGAGGAGCCCTCAGACAGTTTTGGGAAAGCCAGACTG[G>C]GGTGTCGATGCCGCAGTGAGGACTCGTCCTCCTGCAAGCAGACCGCATGTTCCAGGTGAG-3'
Protein context (NP_001092007.2, residues 1316-1336): EDESSLRHRH[Pro1326Arg]SLAFPKLSEG

ClinVar aggregate classification (germline): Uncertain significance (0 of 4 stars; one submission).

Conditions:
PNPLA7-related condition.

gnomAD v4.1: 33 of 1,612,694 alleles (0.002%); highest among the groups gnomAD compares: Non-Finnish European, 0.0026%; no homozygotes.

Submission:

PreventionGenetics, part of Exact Sciences
Classification: Uncertain significance for PNPLA7-related condition. Last evaluated: 2024-09-04. Review status: no assertion criteria provided. Collection method: clinical testing. Allele origin: germline.
Comment: The PNPLA7 c.3977C>G variant is predicted to result in the amino acid substitution p.Pro1326Arg. To our knowledge, this variant has not been reported in the literature. This variant is reported in 0.0027% of alleles in individuals of European (Non-Finnish) descent in gnomAD. At this time, the clinical significance of this variant is uncertain due to the absence of conclusive functional and genetic evidence.